The following is an entry in ClinVar:

ClinVar aggregate classification (germline): Benign/Likely benign. Review status: criteria provided, multiple submitters, no conflicts (2 of 4 stars). 3 submissions from 3 submitters: Benign (1); Likely benign (2). Last evaluated 2024-05-02.

Conditions:
Hereditary cancer-predisposing syndrome. Also called: Neoplastic Syndromes, Hereditary; Tumor predisposition; Hereditary Cancer Syndrome; Hereditary neoplastic syndrome. Identifiers: Orphanet 140162, MedGen C0027672, MeSH D009386, MONDO:0015356.
Familial cancer of breast. Also called: Hereditary breast cancer; BREAST CANCER, FAMILIAL; hereditary breast carcinoma. Identifiers: Orphanet 227535, MedGen C0346153, MONDO:0016419, OMIM 114480. Disease mechanism: loss of function.
Ataxia-telangiectasia syndrome (AT). Also called: Cerebello-oculocutaneous telangiectasia; Immunodeficiency with ataxia telangiectasia; ATAXIA-TELANGIECTASIA, COMPLEMENTATION GROUP A; ATAXIA-TELANGIECTASIA, FRESNO VARIANT; Ataxia-telangiectasia; Ataxia-telangiectasia, complementation group D. Identifiers: Orphanet 100, MedGen C0004135, MONDO:0008840, OMIM 208900.

Allele frequency attached by ClinVar (database versions not stated): gnomAD exomes below 0.00001.
gnomAD v4.1: 1 of 1,614,034 alleles (0.000062%); highest among the groups gnomAD compares: Admixed American, 0.0017%; no homozygotes.

Submissions (3):

Myriad Genetics, Inc.
Classification: Benign for Familial cancer of breast. Last evaluated: 2024-05-02. Review status: criteria provided, single submitter. Criteria: Myriad Autosomal Dominant, Autosomal Recessive and X-Linked Classification Criteria (2023). Collection method: clinical testing. Allele origin: unknown.
Comment: This variant is considered benign. This variant is a silent/synonymous amino acid change and it is not expected to impact splicing.

Labcorp Genetics (formerly Invitae), Labcorp
Classification: Likely benign for Ataxia-telangiectasia syndrome. Last evaluated: 2022-11-28. Review status: criteria provided, single submitter. Criteria: Invitae Variant Classification Sherloc (09022015). Collection method: clinical testing. Allele origin: germline.

Ambry Genetics
Classification: Likely benign for Hereditary cancer-predisposing syndrome. Last evaluated: 2021-03-01. Review status: criteria provided, single submitter. Criteria: Ambry Variant Classification Scheme 2023. Collection method: clinical testing. Allele origin: germline.

NM_000051.4(ATM):c.1968T>G (p.Thr656=)

Gene: ATM (ATM serine/threonine kinase; plus strand). Cytogenetic location: 11q22.3.
Variant type: single nucleotide variant.
Coding change: c.1968T>G on transcript NM_000051.4 (MANE Select); coding-DNA position 1968, T replaced by G.
Protein change: p.Thr656=; no amino-acid change (threonine 656 retained).
Molecular consequence: synonymous variant.
Genome position (GRCh38, 1-based): chr11:108,253,883, T>G. VCF-style: chr11-108253883-T-G. GRCh37 (hg19) VCF-style: chr11-108124610-T-G.
Other names: c.1968T>G, p.Thr656= (NM_001351834.2).
Identifiers: ClinVar variation 1123702 (VCV001123702.12), dbSNP rs1317185205, ClinGen allele CA476672388.
Genomic context (GRCh38, chr11:108,253,883, plus strand): 5'-CCAAAAAGATAAAGAAGAACTTTCATTCTCAGAAGTAGAAGAACTATTTCTTCAGACAAC[T>G]TTTGACAAGATGGACTTTTTAACCATTGTGAGAGAATGTGGTATAGAAAAGCACCAGTCC-3'
Protein context (NP_000042.3, residues 646-666): SEVEELFLQT[Thr656=]FDKMDFLTIV